The following is an entry in ClinVar:

NM_000393.5(COL5A2):c.2770-34G>T

Gene: COL5A2 (collagen type V alpha 2 chain; minus strand). Cytogenetic location: 2q32.2.
Variant type: single nucleotide variant.
Coding change: c.2770-34G>T on transcript NM_000393.5 (MANE Select); 34 bases into the intron before coding-DNA position 2770, G replaced by T.
Molecular consequence: intron variant.
Genome position (GRCh38, 1-based): chr2:189,051,515, C>A on the plus strand (G>T on the coding strand, the complement: COL5A2 is on the minus strand). VCF-style: chr2-189051515-C-A. GRCh37 (hg19) VCF-style: chr2-189916241-C-A.
Identifiers: ClinVar variation 676075 (VCV000676075.2), dbSNP rs73978807, ClinGen allele CA2022189.

ClinVar aggregate classification (germline): Likely benign. Review status: criteria provided, multiple submitters, no conflicts (2 of 4 stars). 2 submissions from 2 submitters: Likely benign (2). Last evaluated 2018-06-14.

Allele frequency attached by ClinVar (database versions not stated): gnomAD exomes 0.00079 and 0.00260; gnomAD 0.01000 and 0.00933; TOPMed 0.01045; ExAC 0.00349; ESP Exome Variant Server 0.01092; 1000 Genomes Project 0.00938; 1000 Genomes Project 30x 0.00953.
gnomAD v4.1: 2,571 of 1,579,336 alleles (0.16%); highest among the groups gnomAD compares: African/African-American, 3.1%; 29 homozygotes.

Submissions (2):

GeneDx
Classification: Likely benign. Last evaluated: 2018-06-14. Review status: criteria provided, single submitter. Criteria: GeneDx Variant Classification (06012015). Collection method: clinical testing. Allele origin: germline. Affected: yes.
Comment: This variant is considered likely benign or benign based on one or more of the following criteria: it is a conservative change, it occurs at a poorly conserved position in the protein, it is predicted to be benign by multiple in silico algorithms, and/or has population frequency not consistent with disease.

Breakthrough Genomics
Classification: Likely benign. Review status: criteria provided, single submitter. Criteria: ACMG Guidelines, 2015. Collection method: not provided. Allele origin: germline. Inheritance: Autosomal dominant inheritance. Affected: yes.